The following is an entry in ClinVar:

ClinVar aggregate classification (germline): Pathogenic (1 of 4 stars; one submission).

Conditions:
Polycystic kidney disease 4 (PKD4). Also called: POLYCYSTIC KIDNEY AND HEPATIC DISEASE 1; POLYCYSTIC KIDNEY DISEASE, INFANTILE, TYPE I; POLYCYSTIC KIDNEY DISEASE 4 WITH OR WITHOUT POLYCYSTIC LIVER DISEASE; PKD3; Autosomal Recessive Polycystic Kidney Disease – PKHD1. Identifiers: MedGen C4540575, MONDO:0033004, OMIM 263200.

Submission:

Myriad Genetics, Inc.
Classification: Pathogenic for Polycystic kidney disease 4. Last evaluated: 2023-08-21. Review status: criteria provided, single submitter. Criteria: Myriad Autosomal Dominant, Autosomal Recessive and X-Linked Classification Criteria (2023). Collection method: clinical testing. Allele origin: unknown.
Comment: NM_138694.3(PKHD1):c.917_932del16(K306Ifs*8) is expected to be pathogenic in the context of autosomal recessive polycystic kidney disease, PKHD1-related. This variant is predicted to lead to an abnormal or absent protein product due to the creation of a premature termination codon in PKHD1, a gene where loss-of-function variants are known to be pathogenic. Please note: this variant was assessed in the context of healthy population screening.

NM_138694.4(PKHD1):c.917_932del (p.Lys306fs)

Gene: PKHD1 (PKHD1 ciliary IPT domain containing fibrocystin/polyductin; minus strand). Cytogenetic location: 6p12.2.
Variant type: Deletion.
Coding change: c.917_932del on transcript NM_138694.4 (MANE Select); coding-DNA positions 917 to 932, 16 bases deleted (AGATTGAGTGCACCAC).
Protein change: p.Lys306fs; shifts the reading frame from lysine 306.
Molecular consequence: frameshift variant.
Genome position (GRCh38, 1-based): chr6:52,064,999-52,065,014, GTGGTGCACTCAATCT deleted on the plus strand (AGATTGAGTGCACCAC on the coding strand, the reverse complement: PKHD1 is on the minus strand). VCF-style (leftmost placement, unchanged base first): chr6-52064998-AGTGGTGCACTCAATCT-A. GRCh37 (hg19) VCF-style: chr6-51929796-AGTGGTGCACTCAATCT-A.
Other names: c.917_932del, p.Lys306fs (NM_170724.3); short protein forms K306fs.
Identifiers: ClinVar variation 5011410 (VCV005011410.1).